The following is an entry in ClinVar:

ClinVar aggregate classification (germline): Benign. Review status: criteria provided, multiple submitters, no conflicts (2 of 4 stars). 4 submissions from 4 submitters: Benign (3). 1 of the submissions does not count toward it. Last evaluated 2026-02-04.

Conditions:
PALLD-related disorder. Also called: PALLD-related condition.
Pancreatic adenocarcinoma. Identifiers: MedGen C0281361, MONDO:0006047, HP:0006725.

Submissions (4):

Labcorp Genetics (formerly Invitae), Labcorp
Classification: Benign for Pancreatic adenocarcinoma. Last evaluated: 2026-02-04. Review status: criteria provided, single submitter. Criteria: Invitae Variant Classification Sherloc (09022015). Collection method: clinical testing. Allele origin: germline.

Ambry Genetics
Classification: Benign. Last evaluated: 2024-10-29. Review status: criteria provided, single submitter. Criteria: Ambry Variant Classification Scheme 2023. Collection method: clinical testing. Allele origin: germline.

GeneDx
Classification: Benign. Last evaluated: 2015-03-03. Review status: criteria provided, single submitter. Criteria: GeneDx Variant Classification Process June 2021. Collection method: clinical testing. Allele origin: germline. Affected: yes.

PreventionGenetics, part of Exact Sciences
Classification: Benign for PALLD-related condition. Last evaluated: 2019-10-10. Review status: no assertion criteria provided. Collection method: clinical testing. Allele origin: germline. Not counted in ClinVar's aggregate classification.
Comment: This variant is classified as benign based on ACMG/AMP sequence variant interpretation guidelines (Richards et al. 2015 PMID: 25741868, with internal and published modifications).

NM_001166108.2(PALLD):c.1965-12688CCG[3]

Gene: PALLD (palladin, cytoskeletal associated protein; plus strand). Cytogenetic location: 4q32.3.
Variant type: Microsatellite.
Coding change: c.1965-12688CCG[3] on transcript NM_001166108.2 (MANE Select); three copies in a row of the 3-base unit CCG starting at c.1965-12688.
Molecular consequence: intron variant. On other transcripts: inframe insertion (1).
Genome position: GRCh38 VCF-style: chr4-168878233-A-ACCG. GRCh37 (hg19) VCF-style: chr4-169799384-A-ACCG.
Other names: c.347_349dup (NM_001166110.1); c.344CGC[3], p.Pro116dup (NM_001166110.2); c.1965-12688CCG[3] (NM_016081.4); c.819-12688CCG[3] (NM_001166109.2); c.-157-12688CCG[3] (NM_001367570.1, NM_001367568.1, NM_001367567.1 and 1 more transcripts).
Identifiers: ClinVar variation 416233 (VCV000416233.19), dbSNP rs200020758, ClinGen allele CA3135780.